The following is an entry in ClinVar:

NM_003625.5(PPFIA2):c.2604C>T (p.Leu868=)

Gene: PPFIA2 (PPFI scaffold protein A2; minus strand). Cytogenetic location: 12q21.31.
Variant type: single nucleotide variant.
Coding change: c.2604C>T on transcript NM_003625.5 (MANE Select); coding-DNA position 2604, C replaced by T.
Protein change: p.Leu868=; no amino-acid change (leucine 868 retained).
Molecular consequence: synonymous variant.
Genome position (GRCh38, 1-based): chr12:81,325,815, G>A on the plus strand (C>T on the coding strand, the complement: PPFIA2 is on the minus strand). VCF-style: chr12-81325815-G-A. GRCh37 (hg19) VCF-style: chr12-81719594-G-A.
Other names: c.2604C>T, p.Leu868= (NM_001220473.3, NM_001220475.2, NM_001220476.2); c.2550C>T, p.Leu850= (NM_001220474.3); c.2382C>T, p.Leu794= (NM_001220477.2); c.2307C>T, p.Leu769= (NM_001220478.2); c.1305C>T, p.Leu435= (NM_001220479.3); c.255C>T, p.Leu85= (NM_001220480.3); c.2145C>T, p.Leu715= (NM_001282536.1).
Identifiers: ClinVar variation 2643199 (VCV002643199.24), dbSNP rs368047640, ClinGen allele CA6704737.
Genomic context (GRCh38, chr12:81,325,815, plus strand): 5'-AGGGAAAAATCCCCAAACCTACTTTTTCTTTAGTCTTCGATCCTTCTCAGCTTGAGTTCC[G>A]AGTTTGCCTAACCCCAGGGACTCCTGAGCTGCAGCTTCAGTCTCCATAAAGCCTCCTGTG-3'
Protein context (NP_003616.2, residues 858-878): AAQESLGLGK[Leu868=]GTQAEKDRRL

ClinVar aggregate classification (germline): Likely benign (1 of 4 stars; one submission).

Allele frequency attached by ClinVar (database versions not stated): TOPMed 0.00005; ESP Exome Variant Server 0.00008.
gnomAD v4.1: 100 of 1,612,618 alleles (0.0062%); highest among the groups gnomAD compares: South Asian, 0.045%; 1 homozygote.

Submission:

CeGaT Center for Human Genetics Tuebingen
Classification: Likely benign. Last evaluated: 2022-08-01. Review status: criteria provided, single submitter. Criteria: CeGaT Center For Human Genetics Tuebingen Variant Classification Criteria Version 2. Collection method: clinical testing. Allele origin: germline. Affected: yes. Observed: 2 variant alleles.
Comment: PPFIA2: BP4, BP7